The following is an entry in ClinVar:

ClinVar aggregate classification (germline): Likely benign (1 of 4 stars; one submission).

Allele frequency attached by ClinVar (database versions not stated): 1000 Genomes Project 30x 0.00047; 1000 Genomes Project 0.00060; gnomAD 0.00348; TOPMed 0.00355; ExAC 0.00421; gnomAD exomes 0.00505; ESP Exome Variant Server 0.00513.
gnomAD v4.1: 7,961 of 1,614,046 alleles (0.49%); highest among the groups gnomAD compares: Non-Finnish European, 0.56%; 26 homozygotes.

Submission:

CeGaT Center for Human Genetics Tuebingen
Classification: Likely benign. Last evaluated: 2023-03-01. Review status: criteria provided, single submitter. Criteria: CeGaT Center For Human Genetics Tuebingen Variant Classification Criteria Version 2. Collection method: clinical testing. Allele origin: germline. Affected: yes. Observed: 3 variant alleles.
Comment: SVEP1: BP4, BP7, BS2

NM_153366.4(SVEP1):c.6960T>G (p.Pro2320=)

Gene: SVEP1 (sushi, von Willebrand factor type A, EGF and pentraxin domain containing 1; minus strand). Cytogenetic location: 9q31.3.
Variant type: single nucleotide variant.
Coding change: c.6960T>G on transcript NM_153366.4 (MANE Select); coding-DNA position 6960, T replaced by G.
Protein change: p.Pro2320=; no amino-acid change (proline 2320 retained).
Molecular consequence: synonymous variant.
Genome position (GRCh38, 1-based): chr9:110,408,640, A>C on the plus strand (T>G on the coding strand, the complement: SVEP1 is on the minus strand). VCF-style: chr9-110408640-A-C. GRCh37 (hg19) VCF-style: chr9-113170920-A-C.
Identifiers: ClinVar variation 2659414 (VCV002659414.24), dbSNP rs200717973, ClinGen allele CA5182117.